The following is an entry in ClinVar:

NM_001142966.3(GREB1L):c.1147_1153del (p.Thr383fs)

Genes: GREB1L (GREB1 like retinoic acid receptor coactivator; plus strand), GREB1L-AS1 (GREB1L antisense RNA 1; minus strand). Cytogenetic location: 18q11.1.
Variant type: Deletion.
Coding change: c.1147_1153del on transcript NM_001142966.3 (MANE Select); coding-DNA positions 1147 to 1153, 7 bases deleted (ACTGTAA; older notation c.1147_1153delACTGTAA).
Protein change: p.Thr383fs; shifts the reading frame from threonine 383.
Molecular consequence: frameshift variant.
Genome position (GRCh38, 1-based): chr18:21,441,477-21,441,483, ACTGTAA deleted; deleting any 7 consecutive bases within chr18:21,441,475-21,441,483 gives the same sequence; the c. name uses the placement nearest the transcript's 3' end. VCF-style (leftmost placement, unchanged base first): chr18-21441474-GAAACTGT-G. GRCh37 (hg19) VCF-style: chr18-19021435-GAAACTGT-G.
Other names: c.1276_1282del, p.Thr426fs (NM_001410867.1); c.1147_1153del, p.Thr383fs (NM_001410868.1); short protein forms T383fs, T426fs.
Identifiers: ClinVar variation 3066333 (VCV003066333.1), dbSNP rs2511364809, ClinGen allele CA2740097895.
Genomic context (GRCh38, chr18:21,441,474, plus strand): 5'-GCCCCAGTTCCACAGACCCCACTAACTGGAATTTTACAACCCAGGCCCATTCCTGCAGGG[GAAACTGT>G]AATTGTTCCTGAAAACCTGCTGAGTAACTCAGGAGTTAGACCAGTAATTCTGATAGGTAA-3'

ClinVar aggregate classification (germline): Likely pathogenic (1 of 4 stars; one submission).

Conditions:
Renal hypodysplasia/aplasia 3 (RHDA3). Identifiers: MedGen C4540497, MONDO:0024520, OMIM 617805.

Submission:

MVZ Medizinische Genetik Mainz
Classification: Likely pathogenic for Renal hypodysplasia/aplasia 3. Last evaluated: 2023-12-04. Review status: criteria provided, single submitter. Criteria: UK Practice Guidelines For Variant Classification V4 01 2020. Collection method: clinical testing. Allele origin: germline. Inheritance: Autosomal dominant inheritance. Affected: yes. Observed: 1 variant allele.
Comment: ACMG Criteria: PVS1,PM2_SUP